The following is an entry in ClinVar:

ClinVar aggregate classification (germline): Uncertain significance (1 of 4 stars; one submission).

Conditions:
Familial hypocalciuric hypercalcemia (FHH). Also called: Familial benign hypercalcemia. Identifiers: Orphanet 405, MedGen C1809471, MONDO:0018458.
Autosomal dominant hypocalcemia 1 (HYPOC1). Also called: HYPOCALCEMIA, FAMILIAL. Identifiers: MedGen C3715128, MONDO:0011013, OMIM 601198.

Submission:

Labcorp Genetics (formerly Invitae), Labcorp
Classification: Uncertain significance for Familial hypocalciuric hypercalcemia; Autosomal dominant hypocalcemia 1. Last evaluated: 2020-05-05. Review status: criteria provided, single submitter. Criteria: Invitae Variant Classification Sherloc (09022015). Collection method: clinical testing. Allele origin: germline.
Comment: In summary, the available evidence is currently insufficient to determine the role of this variant in disease. Therefore, it has been classified as a Variant of Uncertain Significance. Algorithms developed to predict the effect of missense changes on protein structure and function (SIFT, PolyPhen-2, Align-GVGD) all suggest that this variant is likely to be disruptive, but these predictions have not been confirmed by published functional studies and their clinical significance is uncertain. This variant has not been reported in the literature in individuals with CASR-related conditions. This variant is not present in population databases (ExAC no frequency). This sequence change replaces serine with tyrosine at codon 651 of the CASR protein (p.Ser651Tyr). The serine residue is highly conserved and there is a large physicochemical difference between serine and tyrosine.

NM_000388.4(CASR):c.1952C>A (p.Ser651Tyr)

Gene: CASR (calcium sensing receptor; plus strand). Cytogenetic location: 3q21.1.
Variant type: single nucleotide variant.
Coding change: c.1952C>A on transcript NM_000388.4 (MANE Select); coding-DNA position 1952, C replaced by A.
Protein change: p.Ser651Tyr; replaces serine 651 with tyrosine.
Molecular consequence: missense variant.
Genome position (GRCh38, 1-based): chr3:122,283,906, C>A. VCF-style: chr3-122283906-C-A. GRCh37 (hg19) VCF-style: chr3-122002753-C-A.
Other names: c.1982C>A, p.Ser661Tyr (NM_001178065.2); short protein forms S651Y, S661Y.
Identifiers: ClinVar variation 1001698 (VCV001001698.9), dbSNP rs2074926080, ClinGen allele CA354158121.
Genomic context (GRCh38, chr3:122,283,906, plus strand): 5'-TGGGTGTGTTTATCAAGTTCCGCAACACACCCATTGTCAAGGCCACCAACCGAGAGCTCT[C>A]CTACCTCCTCCTCTTCTCCCTGCTCTGCTGCTTCTCCAGCTCCCTGTTCTTCATCGGGGA-3'
Protein context (NP_000379.3, residues 641-661): PIVKATNREL[Ser651Tyr]YLLLFSLLCC